The following is an entry in ClinVar:

NM_001035.3(RYR2):c.11040-14C>G

Gene: RYR2 (ryanodine receptor 2; plus strand). Cytogenetic location: 1q43.
Variant type: single nucleotide variant.
Coding change: c.11040-14C>G on transcript NM_001035.3 (MANE Select); 14 bases into the intron before coding-DNA position 11040, C replaced by G.
Molecular consequence: intron variant.
Genome position (GRCh38, 1-based): chr1:237,733,691, C>G. VCF-style: chr1-237733691-C-G. GRCh37 (hg19) VCF-style: chr1-237896991-C-G.
Identifiers: ClinVar variation 1171144 (VCV001171144.2), dbSNP rs1398488595, ClinGen allele CA529547865.

ClinVar aggregate classification (germline): Uncertain significance (1 of 4 stars; one submission).

Conditions:
Cardiomyopathy (CMYO). Also called: Cardiomyopathies. Identifiers: Orphanet 167848, MedGen C0878544, MONDO:0004994, HP:0001638. Inheritance: Various modes of inheritance.

Allele frequency attached by ClinVar (database versions not stated): gnomAD exomes below 0.00001 and 0.00001.
gnomAD v4.1: 2 of 1,599,330 alleles (0.00013%); highest among the groups gnomAD compares: South Asian, 0.0022%; no homozygotes.

Submission:

Color Diagnostics, LLC DBA Color Health
Classification: Uncertain significance for Cardiomyopathy. Last evaluated: 2020-10-20. Review status: criteria provided, single submitter. Criteria: ACMG Guidelines, 2015. Collection method: clinical testing. Allele origin: germline.
Comment: This variant causes a C to G nucleotide substitution at the -14 position of intron 78 of the RYR2 gene. Splice site prediction tools and conservation analysis are inconclusive regarding the impact of this variant on RNA splicing. To our knowledge, functional studies have not been reported for this variant. This variant has not been reported in individuals affected with cardiovascular disorders in the literature. This variant has been identified in 2/246768 chromosomes in the general population by the Genome Aggregation Database (gnomAD). The available evidence is insufficient to determine the role of this variant in disease conclusively. Therefore, this variant is classified as a Variant of Uncertain Significance.